The following is an entry in ClinVar:

ClinVar aggregate classification (germline): Uncertain significance (1 of 4 stars; one submission).

Allele frequency attached by ClinVar (database versions not stated): gnomAD exomes below 0.00001.
gnomAD v4.1: 1 of 1,614,156 alleles (0.000062%); highest among the groups gnomAD compares: South Asian, 0.0011%; no homozygotes.

Submission:

Labcorp Genetics (formerly Invitae), Labcorp
Classification: Uncertain significance. Last evaluated: 2023-12-07. Review status: criteria provided, single submitter. Criteria: Invitae Variant Classification Sherloc (09022015). Collection method: clinical testing. Allele origin: germline.
Comment: This sequence change replaces isoleucine, which is neutral and non-polar, with valine, which is neutral and non-polar, at codon 1609 of the ABCA1 protein (p.Ile1609Val). This variant is not present in population databases (gnomAD no frequency). This variant has not been reported in the literature in individuals affected with ABCA1-related conditions. ClinVar contains an entry for this variant (Variation ID: 2015227). Advanced modeling of protein sequence and biophysical properties (such as structural, functional, and spatial information, amino acid conservation, physicochemical variation, residue mobility, and thermodynamic stability) performed at Invitae indicates that this missense variant is not expected to disrupt ABCA1 protein function with a negative predictive value of 80%. In summary, the available evidence is currently insufficient to determine the role of this variant in disease. Therefore, it has been classified as a Variant of Uncertain Significance.

NM_005502.4(ABCA1):c.4825A>G (p.Ile1609Val)

Gene: ABCA1 (ATP binding cassette subfamily A member 1; minus strand). Cytogenetic location: 9q31.1.
Variant type: single nucleotide variant.
Coding change: c.4825A>G on transcript NM_005502.4 (MANE Select); coding-DNA position 4825, A replaced by G.
Protein change: p.Ile1609Val; replaces isoleucine 1609 with valine.
Molecular consequence: missense variant.
Genome position (GRCh38, 1-based): chr9:104,799,937, T>C on the plus strand (A>G on the coding strand, the complement: ABCA1 is on the minus strand). VCF-style: chr9-104799937-T-C. GRCh37 (hg19) VCF-style: chr9-107562218-T-C.
Other names: short protein forms I1609V.
Identifiers: ClinVar variation 2015227 (VCV002015227.4), dbSNP rs2538074110, ClinGen allele CA374314568.